The following is an entry in ClinVar:

NM_018714.3(COG1):c.504C>T (p.Pro168=)

Gene: COG1 (component of oligomeric golgi complex 1; plus strand). Cytogenetic location: 17q25.1.
Variant type: single nucleotide variant.
Coding change: c.504C>T on transcript NM_018714.3 (MANE Select); coding-DNA position 504, C replaced by T.
Protein change: p.Pro168=; no amino-acid change (proline 168 retained).
Molecular consequence: synonymous variant.
Genome position (GRCh38, 1-based): chr17:73,196,695, C>T. VCF-style: chr17-73196695-C-T. GRCh37 (hg19) VCF-style: chr17-71192834-C-T.
Identifiers: ClinVar variation 740233 (VCV000740233.11), dbSNP rs773716192, ClinGen allele CA8739974.

ClinVar aggregate classification (germline): Likely benign. Review status: criteria provided, multiple submitters, no conflicts (2 of 4 stars). 3 submissions from 3 submitters: Likely benign (2). 1 of the submissions does not count toward it. Last evaluated 2024-05-22.

Conditions:
COG1 congenital disorder of glycosylation (CDG2G). Also called: CONGENITAL DISORDER OF GLYCOSYLATION, TYPE IIg; CDG IIg; CDGII/COG1 CEREBROCOSTOMANDIBULAR-LIKE SYNDROME. Identifiers: Orphanet 263508, MedGen C2931011, MONDO:0012637, OMIM 611209.
COG1-related disorder. Also called: COG1-related condition.

Allele frequency attached by ClinVar (database versions not stated): ExAC 0.00001; gnomAD 0.00001; gnomAD exomes 0.00001 and 0.00003; TOPMed 0.00001.
gnomAD v4.1: 19 of 1,614,052 alleles (0.0012%); highest among the groups gnomAD compares: Middle Eastern, 0.016%; no homozygotes.

Submissions (3):

Blueprint Genetics
Classification: Likely benign. Last evaluated: 2024-05-22. Review status: criteria provided, single submitter. Criteria: ACMG Guidelines, 2015. Collection method: clinical testing. Allele origin: germline.

Labcorp Genetics (formerly Invitae), Labcorp
Classification: Likely benign for COG1 congenital disorder of glycosylation. Last evaluated: 2023-07-12. Review status: criteria provided, single submitter. Criteria: Invitae Variant Classification Sherloc (09022015). Collection method: clinical testing. Allele origin: germline.

PreventionGenetics, part of Exact Sciences
Classification: Likely benign for COG1-related condition. Last evaluated: 2019-03-01. Review status: no assertion criteria provided. Collection method: clinical testing. Allele origin: germline. Not counted in ClinVar's aggregate classification.
Comment: This variant is classified as likely benign based on ACMG/AMP sequence variant interpretation guidelines (Richards et al. 2015 PMID: 25741868, with internal and published modifications).